The following is an entry in ClinVar:

ClinVar aggregate classification (germline): Uncertain significance (1 of 4 stars; one submission).

Conditions:
Autosomal recessive limb-girdle muscular dystrophy type 2Q (LGMDR17). Also called: MUSCULAR DYSTROPHY, LIMB-GIRDLE, AUTOSOMAL RECESSIVE 17. Identifiers: Orphanet 254361, MedGen C3150989, MONDO:0013390, OMIM 613723.
Epidermolysis bullosa simplex, Ogna type (EBS5A). Also called: Pidermolysis bullosa simplex 5A, Ogna type; EPIDERMOLYSIS BULLOSA SIMPLEX 5A, OGNA TYPE. Identifiers: Orphanet 79401, MedGen C0432317, MONDO:0007555, OMIM 131950.
Epidermolysis bullosa simplex 5B, with muscular dystrophy (EBS5B). Also called: EPIDERMOLYSIS BULLOSA SIMPLEX AND LIMB-GIRDLE MUSCULAR DYSTROPHY; Epidermolysis bullosa simplex with muscular dystrophy. Identifiers: Orphanet 257, MedGen C2931072, MONDO:0009181, OMIM 226670.
Epidermolysis bullosa simplex 5C, with pyloric atresia (EBS5C). Also called: Epidermolysis bullosa simplex with pyloric atresia; PLEC-Related Epidermolysis Bullosa with Pyloric Atresia; PLEC1-Related Epidermolysis Bullosa with Pyloric Atresia. Identifiers: Orphanet 158684, MedGen C2677349, MONDO:0012807, OMIM 612138.
Epidermolysis bullosa simplex with nail dystrophy (EBS5D). Identifiers: MedGen C4225309, MONDO:0014661, OMIM 616487.

Submission:

Labcorp Genetics (formerly Invitae), Labcorp
Classification: Uncertain significance for Autosomal recessive limb-girdle muscular dystrophy type 2Q; Epidermolysis bullosa simplex, Ogna type; Epidermolysis bullosa simplex with nail dystrophy; Epidermolysis bullosa simplex 5C, with pyloric atresia; Epidermolysis bullosa simplex 5B, with muscular dystrophy. Last evaluated: 2022-06-27. Review status: criteria provided, single submitter. Criteria: Invitae Variant Classification Sherloc (09022015). Collection method: clinical testing. Allele origin: germline.
Comment: In summary, the available evidence is currently insufficient to determine the role of this variant in disease. Therefore, it has been classified as a Variant of Uncertain Significance. Algorithms developed to predict the effect of missense changes on protein structure and function (SIFT, PolyPhen-2, Align-GVGD) all suggest that this variant is likely to be disruptive. This variant has not been reported in the literature in individuals affected with PLEC-related conditions. This variant is not present in population databases (gnomAD no frequency). This sequence change replaces proline, which is neutral and non-polar, with serine, which is neutral and polar, at codon 4025 of the PLEC protein (p.Pro4025Ser).

NM_201384.3(PLEC):c.11992C>T (p.Pro3998Ser)

Gene: PLEC (plectin; minus strand). Cytogenetic location: 8q24.3.
Variant type: single nucleotide variant.
Coding change: c.11992C>T on transcript NM_201384.3 (MANE Select); coding-DNA position 11992, C replaced by T.
Protein change: p.Pro3998Ser; replaces proline 3998 with serine.
Molecular consequence: missense variant.
Genome position (GRCh38, 1-based): chr8:143,917,829, G>A on the plus strand (C>T on the coding strand, the complement: PLEC is on the minus strand). VCF-style: chr8-143917829-G-A. GRCh37 (hg19) VCF-style: chr8-144991997-G-A.
Other names: c.12073C>T, p.Pro4025Ser (NM_000445.5); c.11950C>T, p.Pro3984Ser (NM_201378.4); c.12004C>T, p.Pro4002Ser (NM_201383.3); c.11896C>T, p.Pro3966Ser (NM_201381.3); c.11992C>T, p.Pro3998Ser (NM_201382.4); c.11926C>T, p.Pro3976Ser (NM_201379.3); c.12403C>T, p.Pro4135Ser (NM_201380.4); short protein forms P3976S, P3998S, P3984S, P4025S, P4002S, P4135S, P3966S.
Identifiers: ClinVar variation 1519004 (VCV001519004.8), dbSNP rs2130875727, ClinGen allele CA372486848.